The following is an entry in ClinVar:

NM_001283009.2(RTEL1):c.2034_2035del (p.Gly679fs)

Genes: RTEL1 (regulator of telomere elongation helicase 1; plus strand), RTEL1-TNFRSF6B (RTEL1-TNFRSF6B readthrough (NMD candidate); plus strand). Cytogenetic location: 20q13.33.
Variant type: Deletion.
Coding change: c.2034_2035del on transcript NM_001283009.2 (MANE Select); coding-DNA positions 2034 to 2035, 2 bases deleted (TG; older notation c.2034_2035delTG).
Protein change: p.Gly679fs; shifts the reading frame from glycine 679.
Molecular consequence: frameshift variant. On other transcripts: non-coding transcript variant (1).
Genome position (GRCh38, 1-based): chr20:63,689,758-63,689,759, TG deleted. VCF-style (leftmost placement, unchanged base first): chr20-63689757-CTG-C. GRCh37 (hg19) VCF-style: chr20-62321110-CTG-C.
Other names: c.1365_1366del, p.Gly456fs (NM_001283010.1); c.2034_2035del, p.Gly679fs (NM_016434.4); c.2106_2107del, p.Gly703fs (NM_032957.5); short protein forms G679fs, G703fs, G456fs.
Identifiers: ClinVar variation 4784194 (VCV004784194.1).

ClinVar aggregate classification (germline): Pathogenic (1 of 4 stars; one submission).

Conditions:
Pulmonary fibrosis and/or bone marrow failure, Telomere-related, 3. Also called: PULMONARY FIBROSIS AND/OR BONE MARROW FAILURE SYNDROME, TELOMERE-RELATED, 3. Identifiers: Orphanet 2032, MedGen C4225346, MONDO:0014613, OMIM 616373.
Dyskeratosis congenita, autosomal recessive 5 (DKCB5). Identifiers: MedGen C3554656, MONDO:0014076, OMIM 615190.

Submission:

Labcorp Genetics (formerly Invitae), Labcorp
Classification: Pathogenic for Dyskeratosis congenita, autosomal recessive 5; Pulmonary fibrosis and/or bone marrow failure, Telomere-related, 3. Last evaluated: 2025-06-04. Review status: criteria provided, single submitter. Criteria: Invitae Variant Classification Sherloc (09022015). Collection method: clinical testing. Allele origin: germline.
Comment: This sequence change creates a premature translational stop signal (p.Gly679Alafs*33) in the RTEL1 gene. It is expected to result in an absent or disrupted protein product. Loss-of-function variants in RTEL1 are known to be pathogenic (PMID: 23453664, 23959892, 25607374). This variant is not present in population databases (gnomAD no frequency). This variant has not been reported in the literature in individuals affected with RTEL1-related conditions. For these reasons, this variant has been classified as Pathogenic.

Literature cited by the submitters: PubMed 23453664; PubMed 23959892; PubMed 25607374.